The following is an entry in ClinVar:

ClinVar aggregate classification (germline): Uncertain significance (1 of 4 stars; one submission).

Allele frequency attached by ClinVar (database versions not stated): ExAC 0.00001; gnomAD exomes 0.00001; gnomAD 0.00006; TOPMed 0.00009.
gnomAD v4.1: 18 of 1,611,304 alleles (0.0011%); highest among the groups gnomAD compares: African/African-American, 0.021%; no homozygotes.

Submission:

Labcorp Genetics (formerly Invitae), Labcorp
Classification: Uncertain significance. Last evaluated: 2025-02-26. Review status: criteria provided, single submitter. Criteria: Invitae Variant Classification Sherloc (09022015). Collection method: clinical testing. Allele origin: germline.
Comment: This sequence change affects an acceptor splice site in intron 16 of the RIMS1 gene. It is expected to disrupt RNA splicing. Variants that disrupt the donor or acceptor splice site typically lead to a loss of protein function (PMID: 16199547), however the current clinical and genetic evidence is not sufficient to establish whether loss-of-function variants in RIMS1 cause disease. This variant is present in population databases (rs772096088, gnomAD 0.03%). This variant has not been reported in the literature in individuals affected with RIMS1-related conditions. ClinVar contains an entry for this variant (Variation ID: 1024704). Algorithms developed to predict the effect of sequence changes on RNA splicing suggest that this variant may disrupt the consensus splice site. In summary, the available evidence is currently insufficient to determine the role of this variant in disease. Therefore, it has been classified as a Variant of Uncertain Significance.

Literature cited by the submitters: PubMed 16199547.

NM_014989.7(RIMS1):c.2771-1G>A

Gene: RIMS1 (regulating synaptic membrane exocytosis 1; plus strand). Cytogenetic location: 6q13.
Variant type: single nucleotide variant.
Coding change: c.2771-1G>A on transcript NM_014989.7 (MANE Select); the canonical splice acceptor site of the intron before coding-DNA position 2771, G replaced by A.
Molecular consequence: splice acceptor variant. On other transcripts: intron variant (31).
Genome position (GRCh38, 1-based): chr6:72,258,124, G>A. VCF-style: chr6-72258124-G-A. GRCh37 (hg19) VCF-style: chr6-72967827-G-A.
Other names: c.1124-1G>A (NM_001350428.2, NM_001350459.2, NM_001350424.2 and 1 more transcripts); c.1124-4G>A (NM_001350437.2, NM_001350430.2, NM_001350421.2 and 2 more transcripts); c.1193-1G>A (NM_001350458.2, NM_001350433.2, NM_001350446.2 and 15 more transcripts); c.1193-4G>A (NM_001350436.2, NM_001350434.2, NM_001350418.2 and 19 more transcripts); c.950-1G>A (NM_001350469.2, NM_001168409.2, NM_001350466.2 and 3 more transcripts); c.950-4G>A (NM_001350461.2, NM_001350463.2, NM_001350468.2); c.1148-1G>A (NM_001350470.2, NM_001168410.2, NM_001350473.2 and 1 more transcripts); c.1148-4G>A (NM_001350472.2).
Identifiers: ClinVar variation 1024704 (VCV001024704.7), dbSNP rs772096088, ClinGen allele CA3886031.